The following is an entry in ClinVar:

NM_000264.5(PTCH1):c.2477T>G (p.Phe826Cys)

Genes: PTCH1 (patched 1; minus strand), LOC100507346 (uncharacterized LOC100507346; plus strand). Cytogenetic location: 9q22.32.
Variant type: single nucleotide variant.
Coding change: c.2477T>G on transcript NM_000264.5 (MANE Select); coding-DNA position 2477, T replaced by G.
Protein change: p.Phe826Cys; replaces phenylalanine 826 with cysteine.
Molecular consequence: missense variant. On other transcripts: non-coding transcript variant (2).
Genome position (GRCh38, 1-based): chr9:95,467,199, A>C on the plus strand (T>G on the coding strand, the complement: PTCH1 is on the minus strand). VCF-style: chr9-95467199-A-C. GRCh37 (hg19) VCF-style: chr9-98229481-A-C.
Other names: c.2279T>G, p.Phe760Cys (NM_001083602.3); c.2474T>G, p.Phe825Cys (NM_001083603.3); c.2024T>G, p.Phe675Cys (NM_001083604.3, NM_001083605.3, NM_001083606.3 and 1 more transcripts); c.2321T>G, p.Phe774Cys (NM_001354918.2); short protein forms F675C, F760C, F774C, F826C, F825C.
Identifiers: ClinVar variation 4842298 (VCV004842298.1).

ClinVar aggregate classification (germline): Uncertain significance (1 of 4 stars; one submission).

Conditions:
Hereditary cancer-predisposing syndrome. Also called: Neoplastic Syndromes, Hereditary; Tumor predisposition; Hereditary Cancer Syndrome; Hereditary neoplastic syndrome. Identifiers: Orphanet 140162, MedGen C0027672, MeSH D009386, MONDO:0015356.

Submission:

Ambry Genetics
Classification: Uncertain significance for Hereditary cancer-predisposing syndrome. Last evaluated: 2026-01-14. Review status: criteria provided, single submitter. Criteria: Ambry Variant Classification Scheme 2023. Collection method: clinical testing. Allele origin: germline.
Comment: The p.F826C variant (also known as c.2477T>G), located in coding exon 15 of the PTCH1 gene, results from a T to G substitution at nucleotide position 2477. The phenylalanine at codon 826 is replaced by cysteine, an amino acid with highly dissimilar properties. This amino acid position is conserved. In addition, this alteration is predicted to be deleterious by in silico analysis. Based on the available evidence, the clinical significance of this variant remains unclear.